The following is an entry in ClinVar:

NM_001754.5(RUNX1):c.834G>A (p.Pro278=)

Gene: RUNX1 (RUNX family transcription factor 1; minus strand). Cytogenetic location: 21q22.12.
Variant type: single nucleotide variant.
Coding change: c.834G>A on transcript NM_001754.5 (MANE Select); coding-DNA position 834, G replaced by A.
Protein change: p.Pro278=; no amino-acid change (proline 278 retained).
Molecular consequence: synonymous variant.
Genome position (GRCh38, 1-based): chr21:34,799,434, C>T on the plus strand (G>A on the coding strand, the complement: RUNX1 is on the minus strand). VCF-style: chr21-34799434-C-T. GRCh37 (hg19) VCF-style: chr21-36171731-C-T.
Other names: NM_001754.5(RUNX1):c.834G>A; p.Pro278=; c.834G>A (NM_001754.4); c.753G>A, p.Pro251= (NM_001001890.3).
Identifiers: ClinVar variation 1135046 (VCV001135046.10), dbSNP rs774311859, ClinGen allele CA10014284.

ClinVar aggregate classification (germline): Likely benign. Review status: reviewed by expert panel (3 of 4 stars). 3 submissions from 3 submitters: Likely benign (1). 2 of the submissions do not count toward it. Last evaluated 2023-11-13.

Conditions:
Hereditary thrombocytopenia and hematologic cancer predisposition syndrome. Identifiers: Orphanet 71290, MedGen CN281654, MONDO:0011071.
Hereditary thrombocytopenia and hematological cancer predisposition syndrome associated with RUNX1. Also called: Familial Platelet Disorder with Propensity to Acute Myelogenous Leukemia; Familial thrombocytopenia with propensity to acute myelogenous leukemia; PLATELET DISORDER, ASPIRIN-LIKE; RUNX1 Familial Platelet Disorder with Associated Myeloid Malignancies. Identifiers: Orphanet 71290, MedGen C1832388, MeSH C563324, MONDO:0100083, OMIM 601399.
Inborn genetic diseases. Identifiers: MedGen C0950123, MeSH D030342.

Allele frequency attached by ClinVar (database versions not stated): gnomAD exomes below 0.00001; ExAC 0.00001; gnomAD 0.00001; TOPMed 0.00001.

Submissions (3):

ClinGen Myeloid Malignancy Variant Curation Expert Panel
Classification: Likely benign for Hereditary thrombocytopenia and hematologic cancer predisposition syndrome. Last evaluated: 2023-11-13. Review status: reviewed by expert panel. Criteria: ClinGen MyeloMalig ACMG Specifications v2. Collection method: curation. Allele origin: germline. Inheritance: Autosomal dominant inheritance.
Comment: NM_001754.5(RUNX1):c.834G>A (p.Pro278=) is a synonymous variant. REVEL score is not applicable and SpliceAI <=0.20 (BP4). Evolutionary conservation prediction algorithms predict the site as not being conserved (PhyloP score -4.96 < 2.0 or the variant is the reference nucleotide in one primate and/or three mammal species) (BP7). In summary, this variant meets criteria to be classified as likely benign. ACMG/AMP criteria applied, as specified by the Myeloid Malignancy Variant Curation Expert Panel for RUNX1: BP4 and BP7

Ambry Genetics
Classification: Likely benign for Inborn genetic diseases. Last evaluated: 2026-09-04. Review status: criteria provided, single submitter. Criteria: Ambry Variant Classification Scheme 2023. Collection method: clinical testing. Allele origin: germline. Not counted in ClinVar's aggregate classification.

Labcorp Genetics (formerly Invitae), Labcorp
Classification: Likely benign for Hereditary thrombocytopenia and hematological cancer predisposition syndrome associated with RUNX1. Last evaluated: 2025-04-14. Review status: criteria provided, single submitter. Criteria: Invitae Variant Classification Sherloc (09022015). Collection method: clinical testing. Allele origin: germline. Not counted in ClinVar's aggregate classification.